The following is an entry in ClinVar:

ClinVar aggregate classification (germline): Uncertain significance. Review status: criteria provided, multiple submitters, no conflicts (2 of 4 stars). 2 submissions from 2 submitters: Uncertain significance (2). Last evaluated 2023-07-20.

Conditions:
Hypertrophic cardiomyopathy. Also called: HYPERTROPHIC MYOCARDIOPATHY. Identifiers: Orphanet 217569, MedGen C0007194, MeSH D002312, MONDO:0005045, HP:0001639.

Allele frequency attached by ClinVar (database versions not stated): gnomAD exomes below 0.00001; TOPMed below 0.00001.
gnomAD v4.1: 8 of 1,613,866 alleles (0.0005%); highest among the groups gnomAD compares: African/African-American, 0.0013%; no homozygotes.

Submissions (2):

Ambry Genetics
Classification: Uncertain significance. Last evaluated: 2023-07-20. Review status: criteria provided, single submitter. Criteria: Ambry Variant Classification Scheme 2023. Collection method: clinical testing. Allele origin: germline.
Comment: The p.D849N variant (also known as c.2545G>A), located in coding exon 17 of the MYOM1 gene, results from a G to A substitution at nucleotide position 2545. The aspartic acid at codon 849 is replaced by asparagine, an amino acid with highly similar properties. This amino acid position is conserved. In addition, this alteration is predicted to be tolerated by in silico analysis. Since supporting evidence is limited at this time, the clinical significance of this alteration remains unclear.

Labcorp Genetics (formerly Invitae), Labcorp
Classification: Uncertain significance for Hypertrophic cardiomyopathy. Last evaluated: 2021-10-05. Review status: criteria provided, single submitter. Criteria: Invitae Variant Classification Sherloc (09022015). Collection method: clinical testing. Allele origin: germline.
Comment: This variant has not been reported in the literature in individuals affected with MYOM1-related conditions. In summary, the available evidence is currently insufficient to determine the role of this variant in disease. Therefore, it has been classified as a Variant of Uncertain Significance. Algorithms developed to predict the effect of missense changes on protein structure and function (SIFT, PolyPhen-2, Align-GVGD) all suggest that this variant is likely to be tolerated. This variant is not present in population databases (ExAC no frequency). This sequence change replaces aspartic acid with asparagine at codon 849 of the MYOM1 protein (p.Asp849Asn). The aspartic acid residue is weakly conserved and there is a small physicochemical difference between aspartic acid and asparagine.

NM_003803.4(MYOM1):c.2545G>A (p.Asp849Asn)

Gene: MYOM1 (myomesin 1; minus strand). Cytogenetic location: 18p11.31.
Variant type: single nucleotide variant.
Coding change: c.2545G>A on transcript NM_003803.4 (MANE Select); coding-DNA position 2545, G replaced by A.
Protein change: p.Asp849Asn; replaces aspartic acid 849 with asparagine.
Molecular consequence: missense variant. On other transcripts: intron variant (1).
Genome position (GRCh38, 1-based): chr18:3,129,481, C>T on the plus strand (G>A on the coding strand, the complement: MYOM1 is on the minus strand). VCF-style: chr18-3129481-C-T. GRCh37 (hg19) VCF-style: chr18-3129479-C-T.
Other names: c.2506+1894G>A (NM_019856.2); c.2545G>A (NM_003803.3); short protein forms D849N.
Identifiers: ClinVar variation 1504580 (VCV001504580.7), dbSNP rs913259879, ClinGen allele CA295515614.